The following is an entry in ClinVar:

ClinVar aggregate classification (germline): Uncertain significance (1 of 4 stars; one submission).

Submission:

Labcorp Genetics (formerly Invitae), Labcorp
Classification: Uncertain significance. Last evaluated: 2023-02-01. Review status: criteria provided, single submitter. Criteria: Invitae Variant Classification Sherloc (09022015). Collection method: clinical testing. Allele origin: germline.
Comment: In summary, the available evidence is currently insufficient to determine the role of this variant in disease. Therefore, it has been classified as a Variant of Uncertain Significance. This sequence change replaces glycine, which is neutral and non-polar, with valine, which is neutral and non-polar, at codon 248 of the DSG1 protein (p.Gly248Val). This variant is not present in population databases (gnomAD no frequency). This variant has not been reported in the literature in individuals affected with DSG1-related conditions. Advanced modeling of protein sequence and biophysical properties (such as structural, functional, and spatial information, amino acid conservation, physicochemical variation, residue mobility, and thermodynamic stability) performed at Invitae indicates that this missense variant is not expected to disrupt DSG1 protein function.

NM_001942.4(DSG1):c.743G>T (p.Gly248Val)

Gene: DSG1 (desmoglein 1; plus strand). Cytogenetic location: 18q12.1.
Variant type: single nucleotide variant.
Coding change: c.743G>T on transcript NM_001942.4 (MANE Select); coding-DNA position 743, G replaced by T.
Protein change: p.Gly248Val; replaces glycine 248 with valine.
Molecular consequence: missense variant.
Genome position (GRCh38, 1-based): chr18:31,333,647, G>T. VCF-style: chr18-31333647-G-T. GRCh37 (hg19) VCF-style: chr18-28913610-G-T.
Other names: short protein forms G248V.
Identifiers: ClinVar variation 2833742 (VCV002833742.3), dbSNP rs2511046977, ClinGen allele CA402130259.